The following is an entry in ClinVar:

ClinVar aggregate classification (germline): Pathogenic/Likely pathogenic. Review status: criteria provided, multiple submitters, no conflicts (2 of 4 stars). 4 submissions from 4 submitters: Pathogenic (2); Likely pathogenic (1). 1 of the submissions does not count toward it. Last evaluated 2025-12-23.

Conditions:
Familial cancer of breast. Also called: BREAST CANCER, FAMILIAL; Hereditary breast cancer; hereditary breast carcinoma. Identifiers: Orphanet 227535, MedGen C0346153, MONDO:0016419, OMIM 114480. Disease mechanism: loss of function.
Hereditary cancer-predisposing syndrome. Also called: Hereditary neoplastic syndrome; Neoplastic Syndromes, Hereditary; Tumor predisposition; Hereditary Cancer Syndrome. Identifiers: Orphanet 140162, MedGen C0027672, MeSH D009386, MONDO:0015356.
Ataxia-telangiectasia syndrome (AT). Also called: LOUIS-BAR SYNDROME; Cerebello-oculocutaneous telangiectasia; Immunodeficiency with ataxia telangiectasia; AT, COMPLEMENTATION GROUP C; Ataxia-telangiectasia, complementation group D; ATAXIA-TELANGIECTASIA, COMPLEMENTATION GROUP A. Identifiers: Orphanet 100, MedGen C0004135, MONDO:0008840, OMIM 208900.

Submissions (4):

Labcorp Genetics (formerly Invitae), Labcorp
Classification: Pathogenic for Ataxia-telangiectasia syndrome. Last evaluated: 2025-12-23. Review status: criteria provided, single submitter. Criteria: Invitae Variant Classification Sherloc (09022015). Collection method: clinical testing. Allele origin: germline.
Comment: This sequence change creates a premature translational stop signal (p.Ile159Tyrfs*7) in the ATM gene. It is expected to result in an absent or disrupted protein product. Loss-of-function variants in ATM are known to be pathogenic (PMID: 23807571, 25614872). This variant is not present in population databases (gnomAD no frequency). This variant has not been reported in the literature in individuals affected with ATM-related conditions. ClinVar contains an entry for this variant (Variation ID: 482617). For these reasons, this variant has been classified as Pathogenic.

Natera, Inc.
Classification: Likely pathogenic for Ataxia-telangiectasia. Last evaluated: 2024-04-09. Review status: criteria provided, single submitter. Criteria: Natera Variant Classification Schema (03/2026). Collection method: clinical testing. Allele origin: germline.
Comment: The c.475delA variant in ATM is a frameshift variant predicted to shift the reading frame beginning at codon 159 and leads to a stop codon 7 codons downstream. This variant is expected to result in nonsense mediated decay, truncation, or a dysfunctional protein product. This variant is rare in the general population with a frequency below the threshold expected for the associated phenotype(s). Given the available evidence, this variant is classified as Likely Pathogenic.

Ambry Genetics
Classification: Pathogenic for Hereditary cancer-predisposing syndrome. Last evaluated: 2016-07-20. Review status: criteria provided, single submitter. Criteria: Ambry Variant Classification Scheme 2023. Collection method: clinical testing. Allele origin: germline.
Comment: The c.475delA pathogenic mutation, located in coding exon 4 of the ATM gene, results from a deletion of one nucleotide at nucleotide position 475, causing a translational frameshift with a predicted alternate stop codon (p.I159Yfs*7). This alteration is expected to result in loss of function by premature protein truncation or nonsense-mediated mRNA decay. As such, this alteration is interpreted as a disease-causing mutation.

BRCAlab, Lund University
Classification: Pathogenic for Familial cancer of breast. Last evaluated: 2022-08-26. Review status: no assertion criteria provided. Collection method: clinical testing. Allele origin: germline. Affected: yes. Not counted in ClinVar's aggregate classification.

Literature cited by the submitters: PubMed 23807571 (cited by Labcorp Genetics (formerly Invitae), Labcorp); PubMed 25614872 (cited by Labcorp Genetics (formerly Invitae), Labcorp).

NM_000051.4(ATM):c.475del (p.Ile159fs)

Gene: ATM (ATM serine/threonine kinase; plus strand). Cytogenetic location: 11q22.3.
Variant type: Deletion.
Coding change: c.475del on transcript NM_000051.4 (MANE Select); coding-DNA position 475, one base deleted (A; older notation c.475delA).
Protein change: p.Ile159fs; shifts the reading frame from isoleucine 159.
Molecular consequence: frameshift variant.
Genome position (GRCh38, 1-based): chr11:108,235,813, A deleted; the last of 3 consecutive A bases (chr11:108,235,811-108,235,813); deleting any one gives the same sequence. VCF-style (leftmost placement, unchanged base first): chr11-108235810-GA-G. GRCh37 (hg19) VCF-style: chr11-108106537-GA-G.
Other names: c.475delA (NM_000051.3); c.475del, p.Ile159fs (NM_001351834.2); short protein forms I159fs.
Identifiers: ClinVar variation 482617 (VCV000482617.31), dbSNP rs1555059464, ClinGen allele CA658656161.